The following is an entry in ClinVar:

ClinVar aggregate classification (germline): Uncertain significance (1 of 4 stars; one submission).

Conditions:
Familial thoracic aortic aneurysm and aortic dissection (TAAD). Also called: Thoracic aortic aneurysms and dissections. Identifiers: Orphanet 91387, MedGen C4707243, MONDO:0019625.

Submission:

Ambry Genetics
Classification: Uncertain significance for Familial thoracic aortic aneurysm and aortic dissection. Last evaluated: 2026-07-28. Review status: criteria provided, single submitter. Criteria: Ambry Variant Classification Scheme 2023. Collection method: clinical testing. Allele origin: germline.
Comment: The p.L181P variant (also known as c.542T>C), located in coding exon 5 of the PLOD1 gene, results from a T to C substitution at nucleotide position 542. The leucine at codon 181 is replaced by proline, an amino acid with similar properties. This amino acid position is conserved. In addition, this alteration is predicted to be deleterious by in silico analysis. Based on the available evidence, the clinical significance of this variant remains unclear.

NM_000302.4(PLOD1):c.542T>C (p.Leu181Pro)

Gene: PLOD1 (procollagen-lysine,2-oxoglutarate 5-dioxygenase 1; plus strand). Cytogenetic location: 1p36.22.
Variant type: single nucleotide variant.
Coding change: c.542T>C on transcript NM_000302.4 (MANE Select); coding-DNA position 542, T replaced by C.
Protein change: p.Leu181Pro; replaces leucine 181 with proline.
Molecular consequence: missense variant.
Genome position (GRCh38, 1-based): chr1:11,952,698, T>C. VCF-style: chr1-11952698-T-C. GRCh37 (hg19) VCF-style: chr1-12012755-T-C.
Other names: c.683T>C, p.Leu228Pro (NM_001316320.2); short protein forms L228P, L181P.
Identifiers: ClinVar variation 5026849 (VCV005026849.1).